The following is an entry in ClinVar:

ClinVar aggregate classification (germline): Uncertain significance (1 of 4 stars; one submission).

Conditions:
RASopathy. Also called: Noonan spectrum disorder; rasopathies. Identifiers: Orphanet 536391, MedGen C5555857, MONDO:0021060.

Submission:

Labcorp Genetics (formerly Invitae), Labcorp
Classification: Uncertain significance for RASopathy. Last evaluated: 2023-08-06. Review status: criteria provided, single submitter. Criteria: Invitae Variant Classification Sherloc (09022015). Collection method: clinical testing. Allele origin: germline.
Comment: In summary, the available evidence is currently insufficient to determine the role of this variant in disease. Therefore, it has been classified as a Variant of Uncertain Significance. An algorithm developed to predict the effect of missense changes on protein structure and function (PolyPhen-2) suggests that this variant is likely to be disruptive. This sequence change replaces isoleucine, which is neutral and non-polar, with threonine, which is neutral and polar, at codon 220 of the MAP2K2 protein (p.Ile220Thr). Information on the frequency of this variant in the gnomAD database is not available, as this variant may be reported differently in the database. This variant has not been reported in the literature in individuals affected with MAP2K2-related conditions.

NM_030662.4(MAP2K2):c.659_660delinsCA (p.Ile220Thr)

Gene: MAP2K2 (mitogen-activated protein kinase kinase 2; minus strand). Cytogenetic location: 19p13.3.
Variant type: Indel.
Coding change: c.659_660delinsCA on transcript NM_030662.4 (MANE Select); coding-DNA positions 659 to 660, TC replaced by CA.
Protein change: p.Ile220Thr; replaces isoleucine 220 with threonine.
Molecular consequence: missense variant.
Genome position (GRCh38, 1-based): chr19:4,101,064-4,101,065, GA replaced by TG on the plus strand (TC replaced by CA on the coding strand, the reverse complement: MAP2K2 is on the minus strand). VCF-style: chr19-4101064-GA-TG. GRCh37 (hg19) VCF-style: chr19-4101062-GA-TG.
Other names: short protein forms I220T.
Identifiers: ClinVar variation 2796983 (VCV002796983.3), dbSNP rs2512310056, ClinGen allele CA2739276365.